The following is an entry in ClinVar:

ClinVar aggregate classification (germline): Uncertain significance. Review status: criteria provided, multiple submitters, no conflicts (2 of 4 stars). 2 submissions from 2 submitters: Uncertain significance (2). Last evaluated 2018-02-09.

Conditions:
Collagen 6-related myopathy. Identifiers: MedGen CN117976, MONDO:0100225.

Submissions (2):

Illumina Laboratory Services, Illumina
Classification: Uncertain significance for Collagen VI-related myopathy. Last evaluated: 2018-02-09. Review status: criteria provided, single submitter. Criteria: ICSL Variant Classification Criteria 13 December 2019. Collection method: clinical testing. Allele origin: germline.

GeneDx
Classification: Uncertain significance. Last evaluated: 2017-05-18. Review status: criteria provided, single submitter. Criteria: GeneDx Variant Classification (06012015). Collection method: clinical testing. Allele origin: germline. Affected: yes.
Comment: A variant of uncertain significance has been identified in the COL6A3 gene. The T1627I variant has not been published as a pathogenic variant, nor has it been reported as a benign variant to our knowledge. The T1627I variant is not observed in large population cohorts (Lek et al., 2016; 1000 Genomes Consortium et al., 2015; Exome Variant Server). The T1627I variant is a non-conservative amino acid substitution, which is likely to impact secondary protein structure as these residues differ in polarity, charge, size and/or other properties. However, this substitution occurs at a position that is not conserved and in silico analysis predicts this variant likely does not alter the protein structure/function. Therefore, based on the currently available information, it is unclear whether this variant is a pathogenic variant or a rare benign variant.

NM_004369.4(COL6A3):c.4880C>T (p.Thr1627Ile)

Gene: COL6A3 (collagen type VI alpha 3 chain; minus strand). Cytogenetic location: 2q37.3.
Variant type: single nucleotide variant.
Coding change: c.4880C>T on transcript NM_004369.4 (MANE Select); coding-DNA position 4880, C replaced by T.
Protein change: p.Thr1627Ile; replaces threonine 1627 with isoleucine.
Molecular consequence: missense variant.
Genome position (GRCh38, 1-based): chr2:237,368,583, G>A on the plus strand (C>T on the coding strand, the complement: COL6A3 is on the minus strand). VCF-style: chr2-237368583-G-A. GRCh37 (hg19) VCF-style: chr2-238277226-G-A.
Other names: c.3059C>T, p.Thr1020Ile (NM_057166.5); c.4262C>T, p.Thr1421Ile (NM_057167.4); short protein forms T1627I, T1020I, T1421I.
Identifiers: ClinVar variation 430469 (VCV000430469.6), dbSNP rs149261556, ClinGen allele CA351190650.